The following is an entry in ClinVar:

ClinVar aggregate classification (germline): Conflicting classifications of pathogenicity. Review status: criteria provided, conflicting classifications (1 of 4 stars). 5 submissions from 5 submitters: Uncertain significance (3); Likely benign (2). Last evaluated 2025-09-27.

Conditions:
Inborn genetic diseases. Identifiers: MedGen C0950123, MeSH D030342.

Allele frequency attached by ClinVar (database versions not stated): 1000 Genomes Project 30x 0.00016; 1000 Genomes Project 0.00020; ESP Exome Variant Server 0.00024; TOPMed 0.00026; gnomAD 0.00029; gnomAD exomes 0.00041; ExAC 0.00051.

Submissions (6):

Labcorp Genetics (formerly Invitae), Labcorp
Classification: Likely benign. Last evaluated: 2025-09-27. Review status: criteria provided, single submitter. Criteria: Invitae Variant Classification Sherloc (09022015). Collection method: clinical testing. Allele origin: germline.

Blueprint Genetics
Classification: Uncertain significance. Last evaluated: 2024-11-26. Review status: criteria provided, single submitter. Criteria: ACMG Guidelines, 2015. Collection method: clinical testing. Allele origin: germline.

CeGaT Center for Human Genetics Tuebingen
Classification: Likely benign. Last evaluated: 2024-03-01. Review status: criteria provided, single submitter. Criteria: CeGaT Center For Human Genetics Tuebingen Variant Classification Criteria Version 2. Collection method: clinical testing. Allele origin: germline. Affected: yes. Observed: 1 variant allele.
Comment: TENM3: BP4

GeneDx
Classification: Uncertain significance. Last evaluated: 2022-12-16. Review status: criteria provided, single submitter. Criteria: GeneDx Variant Classification Process June 2021. Collection method: clinical testing. Allele origin: germline. Affected: yes.
Comment: In silico analysis supports that this missense variant does not alter protein structure/function; Has not been previously published as pathogenic or benign to our knowledge

Ambry Genetics
Classification: Uncertain significance for Inborn genetic diseases. Last evaluated: 2021-06-18. Review status: criteria provided, single submitter. Criteria: Ambry Variant Classification Scheme 2023. Collection method: clinical testing. Allele origin: germline.

Dr. Peter K. Rogan Lab, Western University
No classification provided (evidence only). Condition: Gastric cancer. Review status: no classification provided. Collection method: in vitro. Allele origin: not applicable. Functional consequence: retained intron. Not counted in ClinVar's aggregate classification.

NM_001080477.4(TENM3):c.3331A>G (p.Met1111Val)

Gene: TENM3 (teneurin transmembrane protein 3; plus strand). Cytogenetic location: 4q35.1.
Variant type: single nucleotide variant.
Coding change: c.3331A>G on transcript NM_001080477.4 (MANE Select); coding-DNA position 3331, A replaced by G.
Protein change: p.Met1111Val; replaces methionine 1111 with valine.
Molecular consequence: missense variant.
Genome position (GRCh38, 1-based): chr4:182,738,496, A>G. VCF-style: chr4-182738496-A-G. GRCh37 (hg19) VCF-style: chr4-183659649-A-G.
Other names: c.3331A>G (NM_001080477.3); c.2542A>G, p.Met848Val (NM_001415960.1); c.2515A>G, p.Met839Val (NM_001415961.1, NM_001415962.1, NM_001415963.1 and 1 more transcripts); c.3052A>G, p.Met1018Val (NM_001415966.1, NM_001415967.1, NM_001415976.1 and 1 more transcripts); c.3331A>G, p.Met1111Val (NM_001415968.1, NM_001415969.1, NM_001415970.1 and 4 more transcripts); short protein forms M839V, M1018V, M1111V, M848V.
Identifiers: ClinVar variation 2071652 (VCV002071652.29), dbSNP rs199769082, ClinGen allele CA3148151.